The following is an entry in ClinVar:

ClinVar aggregate classification (germline): Likely pathogenic (1 of 4 stars; one submission).

Conditions:
Cardiomyopathy (CMYO). Also called: Cardiomyopathies. Identifiers: Orphanet 167848, MedGen C0878544, MONDO:0004994, HP:0001638. Inheritance: Various modes of inheritance.

Submission:

Human Genetics Bochum, Ruhr University Bochum
Classification: Likely pathogenic for Cardiomyopathy. Last evaluated: 2022-08-29. Review status: criteria provided, single submitter. Criteria: ACMG Guidelines, 2015. Collection method: clinical testing. Allele origin: germline. Affected: yes.
Comment: ACMG criteria used to clasify this variant: PVS1, PM2_SUP

NM_001458.5(FLNC):c.6023dup (p.Glu2009fs)

Genes: FLNC (filamin C; plus strand), FLNC-AS1 (FLNC antisense RNA 1; minus strand). Cytogenetic location: 7q32.1.
Variant type: Duplication.
Coding change: c.6023dup on transcript NM_001458.5 (MANE Select); coding-DNA position 6023, one base duplicated (A; older notation c.6023dupA).
Protein change: p.Glu2009fs; shifts the reading frame from glutamic acid 2009.
Molecular consequence: frameshift variant.
Genome position (GRCh38, 1-based): chr7:128,852,846, A duplicated; the last of 2 consecutive A bases (chr7:128,852,845-128,852,846); duplicating either gives the same sequence. VCF-style (leftmost placement, unchanged base first): chr7-128852844-C-CA. GRCh37 (hg19) VCF-style: chr7-128492898-C-CA.
Other names: c.5924dup, p.Glu1976fs (NM_001127487.2); short protein forms E1976fs, E2009fs.
Identifiers: ClinVar variation 1801708 (VCV001801708.1), dbSNP rs2536659978, ClinGen allele CA2580076671.